The following is an entry in ClinVar:

NM_002242.4(KCNJ13):c.85C>T (p.Leu29Phe)

Genes: GIGYF2 (GRB10 interacting GYF protein 2; plus strand), KCNJ13 (potassium inwardly rectifying channel subfamily J member 13; minus strand). Cytogenetic location: 2q37.1.
Variant type: single nucleotide variant.
Coding change: c.85C>T on transcript NM_002242.4 (MANE Select); coding-DNA position 85, C replaced by T.
Protein change: p.Leu29Phe; replaces leucine 29 with phenylalanine.
Molecular consequence: missense variant. On other transcripts: intron variant (5).
Genome position (GRCh38, 1-based): chr2:232,771,278, G>A on the plus strand (C>T on the coding strand, the complement: KCNJ13 is on the minus strand). VCF-style: chr2-232771278-G-A. GRCh37 (hg19) VCF-style: chr2-233635988-G-A.
Other names: c.85C>T, p.Leu29Phe (NM_001172416.1); c.532+9842G>A (NM_001103146.3, NM_015575.4, NM_001103148.2); c.533-5134G>A (NM_001103147.2); c.-23-133C>T (NM_001172417.1); short protein forms L29F.
Identifiers: ClinVar variation 3708859 (VCV003708859.2).
Genomic context (GRCh38, chr2:232,771,278, plus strand): 5'-TTAGGATTCCCCAAGCATCTCGAAGATATGCAAGACCTCTTTGAGCGCCATCCATTTGAA[G>A]TGTGCTGTGGCCATCCTTGGTGACCATCCTCCGGTATCTTTGACTTAGGAGAGGAGCAAT-3'
Protein context (NP_002233.2, residues 19-39): RMVTKDGHST[Leu29Phe]QMDGAQRGLA

ClinVar aggregate classification (germline): Uncertain significance (1 of 4 stars; one submission).

gnomAD v4.1: 34 of 1,608,728 alleles (0.0021%); highest among the groups gnomAD compares: Non-Finnish European, 0.0029%; no homozygotes.

Submission:

Labcorp Genetics (formerly Invitae), Labcorp
Classification: Uncertain significance. Last evaluated: 2024-03-18. Review status: criteria provided, single submitter. Criteria: Invitae Variant Classification Sherloc (09022015). Collection method: clinical testing. Allele origin: germline.
Comment: This sequence change replaces leucine, which is neutral and non-polar, with phenylalanine, which is neutral and non-polar, at codon 29 of the KCNJ13 protein (p.Leu29Phe). This variant is present in population databases (rs376151051, gnomAD 0.005%). This variant has not been reported in the literature in individuals affected with KCNJ13-related conditions. Advanced modeling of protein sequence and biophysical properties (such as structural, functional, and spatial information, amino acid conservation, physicochemical variation, residue mobility, and thermodynamic stability) performed at Invitae indicates that this missense variant is not expected to disrupt KCNJ13 protein function with a negative predictive value of 80%. In summary, the available evidence is currently insufficient to determine the role of this variant in disease. Therefore, it has been classified as a Variant of Uncertain Significance.